The following is an entry in ClinVar:

NM_000548.5(TSC2):c.4138C>T (p.Gln1380Ter)

Gene: TSC2 (TSC complex subunit 2; plus strand). Cytogenetic location: 16p13.3.
Variant type: single nucleotide variant.
Coding change: c.4138C>T on transcript NM_000548.5 (MANE Select); coding-DNA position 4138, C replaced by T.
Protein change: p.Gln1380Ter; replaces glutamine 1380 with a stop codon.
Molecular consequence: nonsense.
Genome position (GRCh38, 1-based): chr16:2,084,360, C>T. VCF-style: chr16-2084360-C-T. GRCh37 (hg19) VCF-style: chr16-2134361-C-T.
Other names: c.3937C>T, p.Gln1313Ter (NM_001077183.3); c.4069C>T, p.Gln1357Ter (NM_001114382.3); c.3829C>T, p.Gln1277Ter (NM_001318827.2); c.3793C>T, p.Gln1265Ter (NM_001318829.2); c.3406C>T, p.Gln1136Ter (NM_001318831.2); c.3970C>T, p.Gln1324Ter (NM_001318832.2); c.3940C>T, p.Gln1314Ter (NM_001363528.2); c.4006C>T, p.Gln1336Ter (NM_001370404.1); and 1 more; short protein forms Q1380*, Q1136*, Q1357*, Q1324*, Q1277*, Q1313*, Q1314*, Q1336*.
Identifiers: ClinVar variation 49497 (VCV000049497.12), dbSNP rs137854045, ClinGen allele CA019994.

ClinVar aggregate classification (germline): Pathogenic. Review status: criteria provided, multiple submitters, no conflicts (2 of 4 stars). 4 submissions from 4 submitters: Pathogenic (2). 2 of the submissions do not count toward it. Last evaluated 2022-08-05.

Conditions:
Tuberous sclerosis 1 (TSC1). Identifiers: Orphanet 805, MedGen C1854465, MONDO:0008612, OMIM 191100.
Tuberous sclerosis syndrome (TSC). Also called: Tuberous Sclerosis Complex; Tuberous sclerosis. Identifiers: Orphanet 805, MedGen C0041341, MONDO:0001734.
Tuberous sclerosis 2 (TSC2). Identifiers: Orphanet 805, MedGen C1860707, MONDO:0013199, OMIM 613254.

Submissions (4):

Labcorp Genetics (formerly Invitae), Labcorp
Classification: Pathogenic for Tuberous sclerosis 2. Last evaluated: 2022-08-05. Review status: criteria provided, single submitter. Criteria: Invitae Variant Classification Sherloc (09022015). Collection method: clinical testing. Allele origin: germline.
Comment: For these reasons, this variant has been classified as Pathogenic. ClinVar contains an entry for this variant (Variation ID: 49497). This premature translational stop signal has been observed in individual(s) with clinical features of TSC2-related conditions (PMID: 21520333). This variant is not present in population databases (gnomAD no frequency). This sequence change creates a premature translational stop signal (p.Gln1380*) in the TSC2 gene. It is expected to result in an absent or disrupted protein product. Loss-of-function variants in TSC2 are known to be pathogenic (PMID: 10205261, 17304050).

Neuberg Centre For Genomic Medicine, NCGM
Classification: Pathogenic for Tuberous sclerosis 1. Review status: criteria provided, single submitter. Criteria: ACMG Guidelines, 2015. Collection method: clinical testing. Allele origin: germline. Inheritance: Autosomal dominant inheritance. Affected: yes.

Division of Genomic Medicine, Department of Advanced Medicine, Medical Research Institute, Kanazawa Medical University
Classification: Pathogenic for Tuberous sclerosis 2. Last evaluated: 2020-06-11. Review status: no assertion criteria provided. Collection method: clinical testing. Allele origin: germline. Affected: yes. Observed: 1 variant allele. Not counted in ClinVar's aggregate classification.

Tuberous sclerosis database (TSC2)
No classification provided. Condition: TSC. Review status: no classification provided. Criteria: Tuberous Sclerosis Database Assertion Criteria 2015. Collection method: curation. Allele origin: germline. Affected: yes. Not counted in ClinVar's aggregate classification.

Literature cited by the submitters: PubMed 21520333 (cited by Labcorp Genetics (formerly Invitae), Labcorp); PubMed 10205261 (cited by Labcorp Genetics (formerly Invitae), Labcorp); PubMed 17304050 (cited by Labcorp Genetics (formerly Invitae), Labcorp).